The following is an entry in ClinVar:

NC_000010.11:g.49459235del

Gene: ERCC6 (ERCC excision repair 6, chromatin remodeling factor; minus strand). Cytogenetic location: 10q11.23.
Variant type: Deletion.
Genome position: GRCh38 VCF-style: chr10-49459233-TC-T. GRCh37 (hg19) VCF-style: chr10-50667279-TC-T.
Identifiers: ClinVar variation 1072162 (VCV001072162.9), dbSNP rs2132524052, ClinGen allele CA2499220245.

ClinVar aggregate classification (germline): Pathogenic (1 of 4 stars; one submission).

Submission:

Labcorp Genetics (formerly Invitae), Labcorp
Classification: Pathogenic. Last evaluated: 2024-02-27. Review status: criteria provided, single submitter. Criteria: Invitae Variant Classification Sherloc (09022015). Collection method: clinical testing. Allele origin: germline.
Comment: This sequence change creates a premature translational stop signal (p.Asp1355Metfs*4) in the ERCC6 gene. While this is not anticipated to result in nonsense mediated decay, it is expected to disrupt the last 139 amino acid(s) of the ERCC6 protein. This variant is not present in population databases (gnomAD no frequency). This variant has not been reported in the literature in individuals affected with ERCC6-related conditions. ClinVar contains an entry for this variant (Variation ID: 1072162). Algorithms developed to predict the effect of sequence changes on RNA splicing suggest that this variant may disrupt the consensus splice site. This variant disrupts a region of the ERCC6 protein in which other variant(s) (p.Gly1372Glufs*22) have been determined to be pathogenic (PMID: 27004399). This suggests that this is a clinically significant region of the protein, and that variants that disrupt it are likely to be disease-causing. For these reasons, this variant has been classified as Pathogenic.

Literature cited by the submitters: PubMed 27004399.